The following is an entry in ClinVar:

NM_017780.4(CHD7):c.466A>T (p.Ile156Leu)

Gene: CHD7 (chromodomain helicase DNA binding protein 7; plus strand). Cytogenetic location: 8q12.2.
Variant type: single nucleotide variant.
Coding change: c.466A>T on transcript NM_017780.4 (MANE Select); coding-DNA position 466, A replaced by T.
Protein change: p.Ile156Leu; replaces isoleucine 156 with leucine.
Molecular consequence: missense variant.
Genome position (GRCh38, 1-based): chr8:60,741,898, A>T. VCF-style: chr8-60741898-A-T. GRCh37 (hg19) VCF-style: chr8-61654457-A-T.
Other names: c.466A>T, p.Ile156Leu (NM_001316690.1); short protein forms I156L.
Identifiers: ClinVar variation 3693312 (VCV003693312.2).

ClinVar aggregate classification (germline): Uncertain significance (1 of 4 stars; one submission).

Conditions:
CHARGE syndrome (CHARGE). Also called: Hittner Hirsch Kreh syndrome; CHARGE ASSOCIATION--COLOBOMA, HEART ANOMALY, CHOANAL ATRESIA, RETARDATION, GENITAL AND EAR ANOMALIES; Coloboma, heart anomaly, choanal atresia, retardation, genital and ear anomalies; CHARGE association; Hall-Hittner syndrome. Identifiers: Orphanet 138, MedGen C0265354, MONDO:0008965.

Submission:

Labcorp Genetics (formerly Invitae), Labcorp
Classification: Uncertain significance for CHARGE syndrome. Last evaluated: 2024-12-26. Review status: criteria provided, single submitter. Criteria: Invitae Variant Classification Sherloc (09022015). Collection method: clinical testing. Allele origin: germline.
Comment: This sequence change replaces isoleucine, which is neutral and non-polar, with leucine, which is neutral and non-polar, at codon 156 of the CHD7 protein (p.Ile156Leu). This variant is not present in population databases (gnomAD no frequency). This variant has not been reported in the literature in individuals affected with CHD7-related conditions. Invitae Evidence Modeling of protein sequence and biophysical properties (such as structural, functional, and spatial information, amino acid conservation, physicochemical variation, residue mobility, and thermodynamic stability) indicates that this missense variant is not expected to disrupt CHD7 protein function with a negative predictive value of 95%. In summary, the available evidence is currently insufficient to determine the role of this variant in disease. Therefore, it has been classified as a Variant of Uncertain Significance.